The following is an entry in ClinVar:

ClinVar aggregate classification (germline): Pathogenic (1 of 4 stars; one submission).

Submission:

Labcorp Genetics (formerly Invitae), Labcorp
Classification: Pathogenic. Last evaluated: 2025-11-05. Review status: criteria provided, single submitter. Criteria: Invitae Variant Classification Sherloc (09022015). Collection method: clinical testing. Allele origin: germline.
Comment: This sequence change creates a premature translational stop signal (p.Trp1267*) in the COL18A1 gene. While this is not anticipated to result in nonsense mediated decay, it is expected to disrupt the last 70 amino acid(s) of the COL18A1 protein. This variant is not present in population databases (gnomAD no frequency). This variant has not been reported in the literature in individuals affected with COL18A1-related conditions. This variant disrupts a region of the COL18A1 protein in which other variant(s) (p.Cys1288Leufs*45) have been determined to be pathogenic (internal data). This suggests that this is a clinically significant region of the protein, and that variants that disrupt it are likely to be disease-causing. For these reasons, this variant has been classified as Pathogenic.

NM_001379500.1(COL18A1):c.3810G>A (p.Trp1270Ter)

Genes: COL18A1 (collagen type XVIII alpha 1 chain; plus strand), SLC19A1 (solute carrier family 19 member 1; minus strand). Cytogenetic location: 21q22.3.
Variant type: single nucleotide variant.
Coding change: c.3810G>A on transcript NM_001379500.1 (MANE Select); coding-DNA position 3810, G replaced by A.
Protein change: p.Trp1270Ter; replaces tryptophan 1270 with a stop codon.
Molecular consequence: nonsense.
Genome position (GRCh38, 1-based): chr21:45,512,188, G>A. VCF-style: chr21-45512188-G-A. GRCh37 (hg19) VCF-style: chr21-46932102-G-A.
Other names: c.4341G>A, p.Trp1447Ter (NM_030582.4); c.5046G>A, p.Trp1682Ter (NM_130444.3); short protein forms W1270*, W1447*, W1682*.
Identifiers: ClinVar variation 4730559 (VCV004730559.1).
Genomic context (GRCh38, chr21:45,512,188, plus strand): 5'-CGGCCTCTGCCCTAAGCAGAGCAGGTCTGGGTTTGACTGACGGCCCGGCGCGTCTTACAG[G>A]CCCCAGAAGAGCGTGTGGCATGGCTCGGACCCCAACGGGCGCAGGCTGACCGAGAGCTAC-3'